The following is an entry in ClinVar:

NM_001386298.1(CIC):c.3973C>T (p.Pro1325Ser)

Gene: CIC (capicua transcriptional repressor; plus strand). Cytogenetic location: 19q13.2.
Variant type: single nucleotide variant.
Coding change: c.3973C>T on transcript NM_001386298.1 (MANE Select); coding-DNA position 3973, C replaced by T.
Protein change: p.Pro1325Ser; replaces proline 1325 with serine.
Molecular consequence: missense variant.
Genome position (GRCh38, 1-based): chr19:42,289,292, C>T. VCF-style: chr19-42289292-C-T. GRCh37 (hg19) VCF-style: chr19-42793444-C-T.
Other names: c.3973C>T, p.Pro1325Ser (NM_001304815.2, NM_001379480.1, NM_001379482.1 and 1 more transcripts); c.1246C>T, p.Pro416Ser (NM_001379484.1, NM_001379485.1, NM_015125.5); short protein forms P1325S, P416S.
Identifiers: ClinVar variation 2635553 (VCV002635553.1), dbSNP rs770404685, ClinGen allele CA9471942.
Genomic context (GRCh38, chr19:42,289,292, plus strand): 5'-GGAGCTCCAGGACCCTTTGCAGCCCCTGGTGAGGGAGGTGCCTTGGCGGCCACTGGGCGG[C>T]CCCCGCTGCTGCCCACCCGAGCTTCTCGTTCTCAGCGTGCGGCCAGTGAGGACATGACGA-3'
Protein context (NP_001373227.1, residues 1315-1335): EGGALAATGR[Pro1325Ser]PLLPTRASRS

ClinVar aggregate classification (germline): Uncertain significance (1 of 4 stars; one submission).

Conditions:
CIC-related disorder. Also called: CIC-related condition.

Allele frequency attached by ClinVar (database versions not stated): gnomAD exomes below 0.00001; ExAC 0.00001; gnomAD 0.00001.
gnomAD v4.1: 3 of 1,613,744 alleles (0.00019%); highest among the groups gnomAD compares: South Asian, 0.0011%; no homozygotes.

Submission:

PreventionGenetics, part of Exact Sciences
Classification: Uncertain significance for CIC-related condition. Last evaluated: 2022-12-19. Review status: criteria provided, single submitter. Criteria: ACMG Guidelines, 2015. Collection method: clinical testing. Allele origin: germline.
Comment: The CIC c.1246C>T variant is predicted to result in the amino acid substitution p.Pro416Ser. To our knowledge, this variant has not been reported in the literature or in a large population database, indicating this variant is rare. At this time, the clinical significance of this variant is uncertain due to the absence of conclusive functional and genetic evidence.